The following is an entry in ClinVar:

ClinVar aggregate classification (germline): Uncertain significance (1 of 4 stars; one submission).

Submission:

ISCA Site 6
Classification: Uncertain significance. Last evaluated: 2011-08-12. Review status: criteria provided, single submitter. Criteria: Kaminsky et al. (Genet Med. 2011). Collection method: clinical testing. Allele origin: paternal, unknown. Affected: yes. Observed: 2 variant alleles.
Comment: Copy number variation identified through the course of routine clinical cytogenomic testing in postnatal populations. Clinical assertions have been curated as described in Kaminsky et al. 2011.

GRCh38/hg38 22q11.22-11.23(chr22:22686122-24577664)x3

Genes: ADORA2A (adenosine A2a receptor; plus strand), ADORA2A-AS1 (ADORA2A antisense RNA 1; minus strand), BCR (BCR activator of RhoGEF and GTPase; plus strand), C22orf15 (chromosome 22 open reading frame 15; plus strand), CABIN1 (calcineurin binding protein 1; plus strand) and 157 more. Cytogenetic location: 22q11.22-11.23.
Variant type: copy number gain.
Change: copy number 3 (three copies instead of two) of chr22:22,686,122-24,577,664 (1.89 Mb, GRCh38 coordinates, 1-based), cytogenetic band 22q11.22-11.23.
Identifiers: ClinVar variation 59329 (VCV000059329.2).